The following is an entry in ClinVar:

NM_001365999.1(SZT2):c.6324G>A (p.Trp2108Ter)

Gene: SZT2 (SZT2 subunit of KICSTOR complex; plus strand). Cytogenetic location: 1p34.2.
Variant type: single nucleotide variant.
Coding change: c.6324G>A on transcript NM_001365999.1 (MANE Select); coding-DNA position 6324, G replaced by A.
Protein change: p.Trp2108Ter; replaces tryptophan 2108 with a stop codon.
Molecular consequence: nonsense.
Genome position (GRCh38, 1-based): chr1:43,437,628, G>A. VCF-style: chr1-43437628-G-A. GRCh37 (hg19) VCF-style: chr1-43903299-G-A.
Other names: c.6153G>A, p.Trp2051Ter (NM_015284.4); short protein forms W2051*, W2108*.
Identifiers: ClinVar variation 817542 (VCV000817542.1), dbSNP rs1570696636, ClinGen allele CA340029192.

ClinVar aggregate classification (germline): Likely pathogenic (1 of 4 stars; one submission).

Allele frequency attached by ClinVar (database versions not stated): gnomAD exomes below 0.00001.
gnomAD v4.1: 1 of 1,614,120 alleles (0.000062%); highest among the groups gnomAD compares: Non-Finnish European, 0.000085%; no homozygotes.

Submission:

GeneDx
Classification: Likely pathogenic. Last evaluated: 2019-02-27. Review status: criteria provided, single submitter. Criteria: GeneDx Variant Classification (06012015). Collection method: clinical testing. Allele origin: germline. Affected: yes.
Comment: The W2051X variant has not been published as a pathogenic variant, nor has it been reported as a benign variant to our knowledge. The W2051X nonsense variant is predicted to cause loss of normal protein function either through protein truncation or nonsense-mediated mRNA decay. Furthermore, the W2051X variant is not observed in large population cohorts (Lek et al., 2016). Therefore, this variant is likely pathogenic; however, the possibility that it is benign cannot be excluded.